The following is an entry in ClinVar:

ClinVar aggregate classification (germline): Pathogenic. Review status: criteria provided, multiple submitters, no conflicts (2 of 4 stars). 5 submissions from 5 submitters: Pathogenic (5). Last evaluated 2024-06-21.

Conditions:
Hereditary cancer-predisposing syndrome. Also called: Tumor predisposition; Hereditary Cancer Syndrome; Hereditary neoplastic syndrome; Neoplastic Syndromes, Hereditary. Identifiers: Orphanet 140162, MedGen C0027672, MeSH D009386, MONDO:0015356.
Rhabdoid tumor predisposition syndrome 1 (RTPS1). Also called: Familial Posterior Fossa Brain Tumor of Infancy. Identifiers: Orphanet 231108, Orphanet 69077, MedGen C1836327, MONDO:0012252, OMIM 609322.

Submissions (5):

Division of Genetic & Genomic Pathology, Hong Kong Children's Hospital
Classification: Pathogenic for Rhabdoid tumor predisposition syndrome 1. Last evaluated: 2024-06-21. Review status: criteria provided, single submitter. Criteria: ACMG Guidelines, 2015. Collection method: clinical testing. Allele origin: germline. Affected: yes.
Comment: The nonsense variant SMARCB1 c.472C>T p.(Arg158*) in exon 4 of the SMARCB1 gene creates a premature stop codon that is predicted to result in loss of normal protein function either by protein truncation or nonsense-mediated mRNA decay. Loss-of-function variants in SMARCB1 are known to be pathogenic (PMID: 9892189, 21108436, 21208904). This variant is absent in population control databases (gnomAD v2.1.1 and gnomAD v4.1.0; total 1,614,192 alleles). It was previously reported in multiple patients with rhabdoid tumors (PMID: 9892189, 34308366, 21208904, 10521299, 21108436), and there are three entries in ClinVar classifying this variant as pathogenic (VCV000995897.10). Thus, the variant is classified as pathogenic.

Institute for Genomic Medicine (IGM) Clinical Laboratory, Nationwide Children's Hospital
Classification: Pathogenic for Hereditary cancer-predisposing syndrome. Last evaluated: 2023-02-24. Review status: criteria provided, single submitter. Criteria: ACMG Guidelines, 2015. Collection method: clinical testing. Allele origin: germline.
Comment: This variant is predicted to result in loss of function through nonsense-mediated decay of the encoded transcript or premature truncation of the encoded protein in a gene in which loss of function is a known mechanism of disease (ACMG/AMP: PVS1). This variant has been reported to occur de novo in an affected individual in the literature with parental identity confirmed (ACMG/AMP: PS2; PMID:10521299). This variant has been reported at an elevated frequency in affected individuals/in multiple affected individuals in the literature (ACMG/AMP: PS4; PMIDs:21108436, 21208904, 34308366). This variant is absent from or present at an exceedingly low frequency in gnomAD, a large-scale control population database (ACMG/AMP: PM2).

Ambry Genetics
Classification: Pathogenic for Hereditary cancer-predisposing syndrome. Last evaluated: 2022-10-12. Review status: criteria provided, single submitter. Criteria: Ambry Variant Classification Scheme 2023. Collection method: clinical testing. Allele origin: germline.
Comment: The p.R158* pathogenic mutation (also known as c.472C>T), located in coding exon 4 of the SMARCB1 gene, results from a C to T substitution at nucleotide position 472. This changes the amino acid from an arginine to a stop codon within coding exon 4. This alteration has been observed in individuals with a personal and/or family history that is consistent with SMARCB1-related schwannomatosis (Biegel JA et al. Cancer Res, 1999 Jan;59:74-9; Eaton KW et al. Pediatr Blood Cancer, 2011 Jan;56:7-15; Bourdeaut F et al. Clin Cancer Res, 2011 Jan;17:31-8; Fiala EM et al. Nat Cancer, 2021 03;2:357-365). This alteration is expected to result in loss of function by premature protein truncation or nonsense-mediated mRNA decay. Loss-of-function variants in SMARCB1 are known to cause rhabdoid tumor predisposition syndrome; however, such associations with neurodevelopmental disorders are exceedingly rare (Kosho T et al. Am J Med Genet C Semin Med Genet. 2014 Sep;166C(3):262-75; Eaton KW et al. Pediatr Blood Cancer. 2011 Jan;56(1):7-15). Based on the supporting evidence, this alteration is pathogenic for SMARCB1-related schwannomatosis; however, the association of this alteration with Coffin-Siris syndrome is unlikely.

Labcorp Genetics (formerly Invitae), Labcorp
Classification: Pathogenic. Last evaluated: 2021-12-27. Review status: criteria provided, single submitter. Criteria: Invitae Variant Classification Sherloc (09022015). Collection method: clinical testing. Allele origin: germline.
Comment: This premature translational stop signal has been observed in individual(s) with rhabdoid tumors (PMID: 9892189, 21208904). This variant is not present in population databases (gnomAD no frequency). This sequence change creates a premature translational stop signal (p.Arg158*) in the SMARCB1 gene. It is expected to result in an absent or disrupted protein product. Loss-of-function variants in SMARCB1 are known to be pathogenic (PMID: 10521299, 21208904). For these reasons, this variant has been classified as Pathogenic. ClinVar contains an entry for this variant (Variation ID: 995897).

Department of Pediatrics, Memorial Sloan Kettering Cancer Center
Classification: Pathogenic for Rhabdoid tumor predisposition syndrome 1. Last evaluated: 2020-12-15. Review status: criteria provided, single submitter. Criteria: ACMG Guidelines, 2015. Collection method: research. Allele origin: germline. Affected: yes.

Literature cited by the submitters: PubMed 9892189 (cited by 3 submitters); PubMed 21108436 (cited by 3 submitters); PubMed 21208904 (cited by 4 submitters); PubMed 34308366 (cited by 3 submitters); PubMed 10521299 (cited by 3 submitters); PubMed 28873162 (cited by Department of Pediatrics, Memorial Sloan Kettering Cancer Center).

NM_003073.5(SMARCB1):c.472C>T (p.Arg158Ter)

Gene: SMARCB1 (SWI/SNF related BAF chromatin remodeling complex subunit B1; plus strand). Cytogenetic location: 22q11.23.
Variant type: single nucleotide variant.
Coding change: c.472C>T on transcript NM_003073.5 (MANE Select); coding-DNA position 472, C replaced by T.
Protein change: p.Arg158Ter; replaces arginine 158 with a stop codon.
Molecular consequence: nonsense.
Genome position (GRCh38, 1-based): chr22:23,801,053, C>T. VCF-style: chr22-23801053-C-T. GRCh37 (hg19) VCF-style: chr22-24143240-C-T.
Other names: c.472C>T (NM_003073.3); c.445C>T, p.Arg149Ter (NM_001007468.3, NM_001317946.2); c.472C>T, p.Arg158Ter (NM_001362877.2); short protein forms R149*, R158*.
Identifiers: ClinVar variation 995897 (VCV000995897.13), dbSNP rs2145978723, ClinGen allele CA410934530.